The following is an entry in ClinVar:

NM_080605.4(B3GALT6):c.667G>A (p.Asp223Asn)

Gene: B3GALT6 (beta-1,3-galactosyltransferase 6; plus strand). Cytogenetic location: 1p36.33.
Variant type: single nucleotide variant.
Coding change: c.667G>A on transcript NM_080605.4 (MANE Select); coding-DNA position 667, G replaced by A.
Protein change: p.Asp223Asn; replaces aspartic acid 223 with asparagine.
Molecular consequence: missense variant.
Genome position (GRCh38, 1-based): chr1:1,232,945, G>A. VCF-style: chr1-1232945-G-A. GRCh37 (hg19) VCF-style: chr1-1168325-G-A.
Other names: short protein forms D223N.
Identifiers: ClinVar variation 1520215 (VCV001520215.7), dbSNP rs548246291, ClinGen allele CA513417.

ClinVar aggregate classification (germline): Uncertain significance (1 of 4 stars; one submission).

Conditions:
Ehlers-Danlos syndrome, spondylodysplastic type, 2 (EDSSPD2). Also called: Ehlers-Danlos syndrome, progeroid type, 2. Identifiers: Orphanet 536467, Orphanet 75496, MedGen C3809210, MONDO:0014139, OMIM 615349.
Spondyloepimetaphyseal dysplasia with joint laxity (SEMDJL). Identifiers: MedGen C0432243, MONDO:0019675.

Allele frequency attached by ClinVar (database versions not stated): gnomAD exomes below 0.00001 and 0.00004; ExAC 0.00003; gnomAD 0.00003; TOPMed 0.00003; 1000 Genomes Project 0.00020; 1000 Genomes Project 30x 0.00031.
gnomAD v4.1: 11 of 1,564,578 alleles (0.0007%); highest among the groups gnomAD compares: African/African-American, 0.011%; no homozygotes.

Submission:

Labcorp Genetics (formerly Invitae), Labcorp
Classification: Uncertain significance for Ehlers-Danlos syndrome, spondylodysplastic type, 2; Spondyloepimetaphyseal dysplasia with joint laxity. Last evaluated: 2021-05-01. Review status: criteria provided, single submitter. Criteria: Invitae Variant Classification Sherloc (09022015). Collection method: clinical testing. Allele origin: germline.
Comment: In summary, the available evidence is currently insufficient to determine the role of this variant in disease. Therefore, it has been classified as a Variant of Uncertain Significance. Algorithms developed to predict the effect of missense changes on protein structure and function are either unavailable or do not agree on the potential impact of this missense change (SIFT: "Deleterious"; PolyPhen-2: "Benign"; Align-GVGD: "Class C0"). This sequence change replaces aspartic acid with asparagine at codon 223 of the B3GALT6 protein (p.Asp223Asn). The aspartic acid residue is highly conserved and there is a small physicochemical difference between aspartic acid and asparagine. This variant is present in population databases (rs548246291, ExAC 0.07%). This variant has not been reported in the literature in individuals with B3GALT6-related conditions.